The following is an entry in ClinVar:

ClinVar aggregate classification (germline): Uncertain significance (1 of 4 stars; one submission).

Conditions:
Inborn genetic diseases. Identifiers: MedGen C0950123, MeSH D030342.

Allele frequency attached by ClinVar (database versions not stated): gnomAD 0.00004; TOPMed 0.00007; 1000 Genomes Project 30x 0.00016; 1000 Genomes Project 0.00020.
gnomAD v4.1: 11 of 1,582,920 alleles (0.00069%); highest among the groups gnomAD compares: Admixed American, 0.016%; no homozygotes.

Submission:

Ambry Genetics
Classification: Uncertain significance for Inborn genetic diseases. Last evaluated: 2020-12-29. Review status: criteria provided, single submitter. Criteria: Ambry Variant Classification Scheme 2023. Collection method: clinical testing. Allele origin: germline.
Comment: The c.47G>C (p.G16A) alteration is located in exon 1 (coding exon 1) of the ZNF292 gene. This alteration results from a G to C substitution at nucleotide position 47, causing the glycine (G) at amino acid position 16 to be replaced by an alanine (A). The p.G16A alteration is predicted to be tolerated by in silico analysis. Based on insufficient or conflicting evidence, the clinical significance of this alteration remains unclear.

NM_015021.3(ZNF292):c.47G>C (p.Gly16Ala)

Genes: ZNF292 (zinc finger protein 292; plus strand), LOC129996783 (ATAC-STARR-seq lymphoblastoid active region 24794; plus strand). Cytogenetic location: 6q14.3.
Variant type: single nucleotide variant.
Coding change: c.47G>C on transcript NM_015021.3 (MANE Select); coding-DNA position 47, G replaced by C.
Protein change: p.Gly16Ala; replaces glycine 16 with alanine.
Molecular consequence: missense variant. On other transcripts: 5 prime UTR variant (1).
Genome position (GRCh38, 1-based): chr6:87,155,638, G>C. VCF-style: chr6-87155638-G-C. GRCh37 (hg19) VCF-style: chr6-87865356-G-C.
Other names: c.-519G>C (NM_001351444.2); short protein forms G16A.
Identifiers: ClinVar variation 2390018 (VCV002390018.2), dbSNP rs554384428, ClinGen allele CA3913546.
Genomic context (GRCh38, chr6:87,155,638, plus strand): 5'-AGCGGGGTGTGAAGATGGCGGACGAAGAGGCCGAGCAGGAGAGGTTGAGTTGCGGCGAAG[G>C]CGGCTGCGTCGCGGAGCTGCAGCGCCTGGGCGAGCGGCTCCAGGAGCTGGAGCTACAGCT-3'
Protein context (NP_055836.1, residues 6-26): AEQERLSCGE[Gly16Ala]GCVAELQRLG